The following is an entry in ClinVar:

NM_002334.4(LRP4):c.4379C>T (p.Ser1460Phe)

Genes: LRP4 (LDL receptor related protein 4; minus strand), LRP4-AS1 (LRP4 antisense RNA 1; plus strand). Cytogenetic location: 11p11.2.
Variant type: single nucleotide variant.
Coding change: c.4379C>T on transcript NM_002334.4 (MANE Select); coding-DNA position 4379, C replaced by T.
Protein change: p.Ser1460Phe; replaces serine 1460 with phenylalanine.
Molecular consequence: missense variant. On other transcripts: non-coding transcript variant (1).
Genome position (GRCh38, 1-based): chr11:46,873,444, G>A on the plus strand (C>T on the coding strand, the complement: LRP4 is on the minus strand). VCF-style: chr11-46873444-G-A. GRCh37 (hg19) VCF-style: chr11-46894995-G-A.
Other names: c.4379C>T (NM_002334.3); short protein forms S1460F.
Identifiers: ClinVar variation 1524835 (VCV001524835.11), dbSNP rs61738061, ClinGen allele CA5969349.
Genomic context (GRCh38, chr11:46,873,444, plus strand): 5'-GGGAAAACAGCAATGGCCCGGGGCTCATCCAGGCTATTGTTGATCAGTACTTTGCGGCAG[G>A]AACCATCCAGCCTGGACGCCTCAATGGTATTTCGACCTGTGTCTGTCCAGTACAGGTTCC-3'
Protein context (NP_002325.2, residues 1450-1470): NTIEASRLDG[Ser1460Phe]CRKVLINNSL

ClinVar aggregate classification (germline): Uncertain significance. Review status: criteria provided, multiple submitters, no conflicts (2 of 4 stars). 3 submissions from 3 submitters: Uncertain significance (3). Last evaluated 2025-05-07.

Conditions:
Sclerosteosis 2 (SOST2). Identifiers: Orphanet 3152, MedGen C3280402, MONDO:0013679, OMIM 614305.
Cenani-Lenz syndactyly syndrome. Also called: SYNDACTYLY, TYPE VII; CENANI SYNDACTYLISM. Identifiers: Orphanet 3258, MedGen C1859309, MONDO:0008931, OMIM 212780.
Congenital myasthenic syndrome 17. Identifiers: Orphanet 590, MedGen C4225377, MONDO:0014578, OMIM 616304.
Inborn genetic diseases. Identifiers: MedGen C0950123, MeSH D030342.

Allele frequency attached by ClinVar (database versions not stated): gnomAD 0.00001; ExAC 0.00002; TOPMed 0.00002; gnomAD exomes 0.00003 and 0.00008; ESP Exome Variant Server 0.00008.
gnomAD v4.1: 117 of 1,614,046 alleles (0.0072%); highest among the groups gnomAD compares: Non-Finnish European, 0.0098%; no homozygotes.

Submissions (3):

Ambry Genetics
Classification: Uncertain significance for Inborn genetic diseases. Last evaluated: 2025-05-07. Review status: criteria provided, single submitter. Criteria: Ambry Variant Classification Scheme 2023. Collection method: clinical testing. Allele origin: germline.

Fulgent Genetics
Classification: Uncertain significance for Cenani-Lenz syndactyly syndrome; Sclerosteosis 2; Congenital myasthenic syndrome 17. Last evaluated: 2024-05-01. Review status: criteria provided, single submitter. Criteria: ACMG Guidelines, 2015. Collection method: clinical testing. Allele origin: germline.

Labcorp Genetics (formerly Invitae), Labcorp
Classification: Uncertain significance for Cenani-Lenz syndactyly syndrome; Sclerosteosis 2; Congenital myasthenic syndrome 17. Last evaluated: 2022-07-19. Review status: criteria provided, single submitter. Criteria: Invitae Variant Classification Sherloc (09022015). Collection method: clinical testing. Allele origin: germline.
Comment: In summary, the available evidence is currently insufficient to determine the role of this variant in disease. Therefore, it has been classified as a Variant of Uncertain Significance. Algorithms developed to predict the effect of missense changes on protein structure and function are either unavailable or do not agree on the potential impact of this missense change (SIFT: "Deleterious"; PolyPhen-2: "Probably Damaging"; Align-GVGD: "Class C0"). ClinVar contains an entry for this variant (Variation ID: 1524835). This variant has not been reported in the literature in individuals affected with LRP4-related conditions. This variant is present in population databases (rs61738061, gnomAD 0.006%). This sequence change replaces serine, which is neutral and polar, with phenylalanine, which is neutral and non-polar, at codon 1460 of the LRP4 protein (p.Ser1460Phe).